The following is an entry in ClinVar:

ClinVar aggregate classification (germline): Uncertain significance. Review status: criteria provided, multiple submitters, no conflicts (2 of 4 stars). 3 submissions from 3 submitters: Uncertain significance (3). Last evaluated 2022-09-10.

Conditions:
Hereditary cancer-predisposing syndrome. Also called: Hereditary neoplastic syndrome; Tumor predisposition; Neoplastic Syndromes, Hereditary; Hereditary Cancer Syndrome. Identifiers: Orphanet 140162, MedGen C0027672, MeSH D009386, MONDO:0015356.
Familial cancer of breast. Also called: Hereditary breast cancer; BREAST CANCER, FAMILIAL; hereditary breast carcinoma. Identifiers: Orphanet 227535, MedGen C0346153, MONDO:0016419, OMIM 114480. Disease mechanism: loss of function.

Allele frequency attached by ClinVar (database versions not stated): gnomAD exomes below 0.00001.
gnomAD v4.1: 1 of 1,596,358 alleles (0.000063%); highest among the groups gnomAD compares: Non-Finnish European, 0.000085%; no homozygotes.

Submissions (3):

Ambry Genetics
Classification: Uncertain significance for Hereditary cancer-predisposing syndrome. Last evaluated: 2022-09-10. Review status: criteria provided, single submitter. Criteria: Ambry Variant Classification Scheme 2023. Collection method: clinical testing. Allele origin: germline.
Comment: The p.V538M variant (also known as c.1612G>A), located in coding exon 14 of the CHEK2 gene, results from a G to A substitution at nucleotide position 1612. The valine at codon 538 is replaced by methionine, an amino acid with highly similar properties. This amino acid position is conserved. In addition, this alteration is predicted to be tolerated by in silico analysis. Since supporting evidence is limited at this time, the clinical significance of this alteration remains unclear.

Labcorp Genetics (formerly Invitae), Labcorp
Classification: Uncertain significance for Familial cancer of breast. Last evaluated: 2022-02-24. Review status: criteria provided, single submitter. Criteria: Invitae Variant Classification Sherloc (09022015). Collection method: clinical testing. Allele origin: germline.
Comment: In summary, the available evidence is currently insufficient to determine the role of this variant in disease. Therefore, it has been classified as a Variant of Uncertain Significance. Algorithms developed to predict the effect of missense changes on protein structure and function output the following: SIFT: "Tolerated"; PolyPhen-2: "Benign"; Align-GVGD: "Class C0". The methionine amino acid residue is found in multiple mammalian species, which suggests that this missense change does not adversely affect protein function. ClinVar contains an entry for this variant (Variation ID: 421160). This variant has not been reported in the literature in individuals affected with CHEK2-related conditions. This variant is not present in population databases (gnomAD no frequency). This sequence change replaces valine, which is neutral and non-polar, with methionine, which is neutral and non-polar, at codon 538 of the CHEK2 protein (p.Val538Met).

GeneDx
Classification: Uncertain significance. Last evaluated: 2016-05-11. Review status: criteria provided, single submitter. Criteria: GeneDx Variant Classification (06012015). Collection method: clinical testing. Allele origin: germline. Affected: yes.
Comment: This variant is denoted CHEK2 c.1612G>A at the cDNA level, p.Val538Met (V538M) at the protein level, and results in the change of a Valine to a Methionine (GTG>ATG). This variant has not, to our knowledge, been published in the literature as pathogenic or benign. CHEK2 Val538Met was not observed in approximately 3,700 individuals of European and African American ancestry in the NHLBI Exome Sequencing Project, suggesting it is not a common benign variant in these populations. Since Valine and Methionine share similar properties, this is considered a conservative amino acid substitution. CHEK2 Val538Met occurs at a position that is not conserved and is not located in a known functional domain (Desrichard 2011, Roeb 2012). In silico analyses predict that this variant is unlikely to alter protein structure or function. Based on currently available evidence, it is unclear whether CHEK2 Val538Met is a pathogenic or benign variant. We consider it to be a variant of uncertain significance.

NM_007194.4(CHEK2):c.1612G>A (p.Val538Met)

Gene: CHEK2 (checkpoint kinase 2; minus strand). Cytogenetic location: 22q12.1.
Variant type: single nucleotide variant.
Coding change: c.1612G>A on transcript NM_007194.4 (MANE Select); coding-DNA position 1612, G replaced by A.
Protein change: p.Val538Met; replaces valine 538 with methionine.
Molecular consequence: missense variant.
Genome position (GRCh38, 1-based): chr22:28,687,917, C>T on the plus strand (G>A on the coding strand, the complement: CHEK2 is on the minus strand). VCF-style: chr22-28687917-C-T. GRCh37 (hg19) VCF-style: chr22-29083905-C-T.
Other names: c.1741G>A, p.Val581Met (NM_001005735.3); c.949G>A, p.Val317Met (NM_001257387.3); c.1411G>A, p.Val471Met (NM_001349956.3); c.1525G>A, p.Val509Met (NM_145862.3); short protein forms V538M, V317M, V471M, V581M, V509M.
Identifiers: ClinVar variation 421160 (VCV000421160.11), dbSNP rs1064794950, ClinGen allele CA16621041.